The following is an entry in ClinVar:

NM_194248.3(OTOF):c.2015G>A (p.Ser672Asn)

Gene: OTOF (otoferlin; minus strand). Cytogenetic location: 2p23.3.
Variant type: single nucleotide variant.
Coding change: c.2015G>A on transcript NM_194248.3 (MANE Select); coding-DNA position 2015, G replaced by A.
Protein change: p.Ser672Asn; replaces serine 672 with asparagine.
Molecular consequence: missense variant.
Genome position (GRCh38, 1-based): chr2:26,479,551, C>T on the plus strand (G>A on the coding strand, the complement: OTOF is on the minus strand). VCF-style: chr2-26479551-C-T. GRCh37 (hg19) VCF-style: chr2-26702419-C-T.
Other names: c.2015G>A, p.Ser672Asn (NM_001287489.2); short protein forms S672N.
Identifiers: ClinVar variation 2500625 (VCV002500625.1), dbSNP rs1262248055, ClinGen allele CA346128887.
Genomic context (GRCh38, chr2:26,479,551, plus strand): 5'-CGCATTGGTGGAGTGGAGGAGACTGAGGCCAGGTCCCCGGCATCACCGGCCTCGTCATCA[C>T]TTGCGTTCTGAATCAGGTCTACTTCTTCCTCATCCCCCGGCTCCTTCCGGGGCCGAGGCC-3'
Protein context (NP_919224.1, residues 662-682): EEEVDLIQNA[Ser672Asn]DDEAGDAGDL

ClinVar aggregate classification (germline): Uncertain significance (1 of 4 stars; one submission).

Allele frequency attached by ClinVar (database versions not stated): gnomAD 0.00001; gnomAD exomes 0.00001; TOPMed 0.00001.

Submission:

GeneDx
Classification: Uncertain significance. Last evaluated: 2022-10-28. Review status: criteria provided, single submitter. Criteria: GeneDx Variant Classification Process June 2021. Collection method: clinical testing. Allele origin: germline. Affected: yes.
Comment: In silico analysis supports that this missense variant does not alter protein structure/function; Has not been previously published as pathogenic or benign to our knowledge